The following is an entry in ClinVar:

NM_017882.3(CLN6):c.202G>C (p.Val68Leu)

Gene: CLN6 (CLN6 transmembrane ER protein; minus strand). Cytogenetic location: 15q23.
Variant type: single nucleotide variant.
Coding change: c.202G>C on transcript NM_017882.3 (MANE Select); coding-DNA position 202, G replaced by C.
Protein change: p.Val68Leu; replaces valine 68 with leucine.
Molecular consequence: missense variant.
Genome position (GRCh38, 1-based): chr15:68,214,385, C>G on the plus strand (G>C on the coding strand, the complement: CLN6 is on the minus strand). VCF-style: chr15-68214385-C-G. GRCh37 (hg19) VCF-style: chr15-68506723-C-G.
Other names: c.298G>C, p.Val100Leu (NM_001411068.1); short protein forms V100L, V68L.
Identifiers: ClinVar variation 2122029 (VCV002122029.4), dbSNP rs1178740738, ClinGen allele CA392974513.

ClinVar aggregate classification (germline): Uncertain significance (1 of 4 stars; one submission).

Conditions:
Neuronal ceroid lipofuscinosis. Also called: Neuronal Ceroid Lipofuscinoses. Identifiers: Orphanet 216, Orphanet 79263, MedGen C0027877, MONDO:0016295. Disease mechanism: loss of function.

Submission:

Labcorp Genetics (formerly Invitae), Labcorp
Classification: Uncertain significance for Neuronal ceroid lipofuscinosis. Last evaluated: 2022-09-01. Review status: criteria provided, single submitter. Criteria: Invitae Variant Classification Sherloc (09022015). Collection method: clinical testing. Allele origin: germline.
Comment: In summary, the available evidence is currently insufficient to determine the role of this variant in disease. Therefore, it has been classified as a Variant of Uncertain Significance. Algorithms developed to predict the effect of missense changes on protein structure and function (SIFT, PolyPhen-2, Align-GVGD) all suggest that this variant is likely to be tolerated. This variant has not been reported in the literature in individuals affected with CLN6-related conditions. This variant is not present in population databases (gnomAD no frequency). This sequence change replaces valine, which is neutral and non-polar, with leucine, which is neutral and non-polar, at codon 68 of the CLN6 protein (p.Val68Leu).